The following is an entry in ClinVar:

NM_004183.4(BEST1):c.758T>C (p.Val253Ala)

Gene: BEST1 (bestrophin 1; plus strand). Cytogenetic location: 11q12.3.
Variant type: single nucleotide variant.
Coding change: c.758T>C on transcript NM_004183.4 (MANE Select); coding-DNA position 758, T replaced by C.
Protein change: p.Val253Ala; replaces valine 253 with alanine.
Molecular consequence: missense variant. On other transcripts: non-coding transcript variant (1).
Genome position (GRCh38, 1-based): chr11:61,958,189, T>C. VCF-style: chr11-61958189-T-C. GRCh37 (hg19) VCF-style: chr11-61725661-T-C.
Other names: c.578T>C, p.Val193Ala (NM_001139443.3, NM_001300786.2, NM_001300787.2); c.440T>C, p.Val147Ala (NM_001363591.3); c.758T>C, p.Val253Ala (NM_001363592.2); c.-418T>C (NM_001363593.3); short protein forms V193A, V147A, V253A.
Identifiers: ClinVar variation 2754369 (VCV002754369.4), dbSNP rs2541384120, ClinGen allele CA380839623.

ClinVar aggregate classification (germline): Conflicting classifications of pathogenicity. Review status: criteria provided, conflicting classifications (1 of 4 stars). 2 submissions from 2 submitters: Likely pathogenic (1); Uncertain significance (1). Last evaluated 2025-09-26.

Allele frequency attached by ClinVar (database versions not stated): gnomAD exomes below 0.00001.
gnomAD v4.1: 2 of 1,614,132 alleles (0.00012%); highest among the groups gnomAD compares: Non-Finnish European, 0.00017%; no homozygotes.

Submissions (2):

Labcorp Genetics (formerly Invitae), Labcorp
Classification: Likely pathogenic. Last evaluated: 2025-09-26. Review status: criteria provided, single submitter. Criteria: Invitae Variant Classification Sherloc (09022015). Collection method: clinical testing. Allele origin: germline.
Comment: This sequence change replaces valine, which is neutral and non-polar, with alanine, which is neutral and non-polar, at codon 253 of the BEST1 protein (p.Val253Ala). This variant is not present in population databases (gnomAD no frequency). This missense change has been observed in individual(s) with clinical features of autosomal recessive bestrophinopathy (internal data). In at least one individual the data is consistent with being in trans (on the opposite chromosome) from a pathogenic variant. ClinVar contains an entry for this variant (Variation ID: 2754369). Invitae Evidence Modeling of protein sequence and biophysical properties (such as structural, functional, and spatial information, amino acid conservation, physicochemical variation, residue mobility, and thermodynamic stability) indicates that this missense variant is expected to disrupt BEST1 protein function with a positive predictive value of 95%. In summary, the currently available evidence indicates that the variant is pathogenic, but additional data are needed to prove that conclusively. Therefore, this variant has been classified as Likely Pathogenic.

Blueprint Genetics
Classification: Uncertain significance. Last evaluated: 2024-11-18. Review status: criteria provided, single submitter. Criteria: ACMG Guidelines, 2015. Collection method: clinical testing. Allele origin: germline.